The following is an entry in ClinVar:

ClinVar aggregate classification (germline): Pathogenic (0 of 4 stars; one submission).

Conditions:
SSR4-congenital disorder of glycosylation. Also called: SSR4-CDG; CDG IY; Congenital disorder of glycosylation type 1y. Identifiers: Orphanet 370927, MedGen C4012395, MONDO:0010490, OMIM 300934.

Submission:

Undiagnosed Diseases Network, NIH
Classification: Pathogenic for SSR4-congenital disorder of glycosylation. Last evaluated: 2022-03-15. Review status: no assertion criteria provided. Collection method: clinical testing. Allele origin: de novo. Affected: yes. Observed: 1 variant allele, 1 hemizygote. Study: Undiagnosed Diseases Network (NIH), UDN.
Comment: It showed that there is a deletion which involves IDH3G, PLXNB3, SRPK3, SSR4, and HG38. This is on chromosome X and is described as G (153757278_153757299DEL; 153757300_153778281INV; 153778282_153795224DEL). This is a de novo variant which is associated with Congenital Disorder of Glycosylation type 1Y.

VARIANT DETAILS Based on the currently available evidence, we consider HG38chrX:g[153757278_153757299del;153757300_153778281inv;153778282_153795224del] in IDH3G,PLXNB3,SRPK3... to be Likely Pathogenic for Congenital disorder of glycosylation, type Iy. This variant has not been described in ClinVar, DICEPHER nor reported previously. This variant has not been observed in gnomad or DGV database. This complex structural variant contains copy number loss change including promoter region and exon 1-2 of SSR4 gene (NM_001204526.1). It is predicted to be deleterious.

Multiple alleles

Variant type: Haplotype.
Identifiers: ClinVar variation 1810417 (VCV001810417.2).